The following is an entry in ClinVar:

NM_000211.5(ITGB2):c.58+12G>A

Gene: ITGB2 (integrin subunit beta 2; minus strand). Cytogenetic location: 21q22.3.
Variant type: single nucleotide variant.
Coding change: c.58+12G>A on transcript NM_000211.5 (MANE Select); 12 bases into the intron after coding-DNA position 58, G replaced by A.
Molecular consequence: intron variant.
Genome position (GRCh38, 1-based): chr21:44,910,713, C>T on the plus strand (G>A on the coding strand, the complement: ITGB2 is on the minus strand). VCF-style: chr21-44910713-C-T. GRCh37 (hg19) VCF-style: chr21-46330628-C-T.
Other names: c.58+12G>A (LRG_76t1, NM_001127491.3); c.-193+12G>A (NM_001303238.2).
Identifiers: ClinVar variation 100758 (VCV000100758.25), dbSNP rs2280965, ClinGen allele CA249774.

ClinVar aggregate classification (germline): Benign. Review status: criteria provided, multiple submitters, no conflicts (2 of 4 stars). 8 submissions from 8 submitters: Benign (7). 1 of the submissions does not count toward it. Last evaluated 2026-02-04.

Conditions:
Leukocyte adhesion deficiency 1 (LAD1). Also called: LEUKOCYTE ADHESION DEFICIENCY, TYPE I; LAD 1; Lymphocyte function-associated antigen 1 immunodeficiency; LFA 1 immunodeficiency. Identifiers: Orphanet 2968, Orphanet 99842, MedGen C0398738, MONDO:0007293, OMIM 116920.

Allele frequency attached by ClinVar (database versions not stated): ESP Exome Variant Server 0.08319; gnomAD 0.09186 and 0.09832; TOPMed 0.10244; gnomAD exomes 0.10913 and 0.12740; ExAC 0.12909; 1000 Genomes Project 30x 0.14069; 1000 Genomes Project 0.14816.
gnomAD v4.1: 174,548 of 1,613,020 alleles (11%); highest among the groups gnomAD compares: East Asian, 28%; 11,209 homozygotes.

Submissions (8):

Labcorp Genetics (formerly Invitae), Labcorp
Classification: Benign for Leukocyte adhesion deficiency 1. Last evaluated: 2026-02-04. Review status: criteria provided, single submitter. Criteria: Invitae Variant Classification Sherloc (09022015). Collection method: clinical testing. Allele origin: germline.

Women's Health and Genetics/Laboratory Corporation of America, LabCorp
Classification: Benign. Last evaluated: 2026-01-21. Review status: criteria provided, single submitter. Criteria: LabCorp Variant Classification Summary - May 2015. Collection method: clinical testing. Allele origin: germline.

Unidad de Genómica Garrahan, Hospital de Pediatría Garrahan
Classification: Benign. Last evaluated: 2024-01-24. Review status: criteria provided, single submitter. Criteria: ACMG Guidelines, 2015. Collection method: clinical testing. Allele origin: germline. Affected: no. Observed: 27 variant alleles.
Comment: This variant is classified as Benign based on local population frequency. This variant was detected in 28% of patients studied by a panel of primary immunodeficiencies. Number of patients: 27. Only high quality variants are reported.

Genome-Nilou Lab
Classification: Benign for Leukocyte adhesion deficiency 1. Last evaluated: 2021-08-19. Review status: criteria provided, single submitter. Criteria: ACMG Guidelines, 2015. Collection method: clinical testing. Allele origin: germline. Affected: no.

Illumina Laboratory Services, Illumina
Classification: Benign for Leukocyte adhesion deficiency 1. Last evaluated: 2018-01-13. Review status: criteria provided, single submitter. Criteria: ICSL Variant Classification Criteria 13 December 2019. Collection method: clinical testing. Allele origin: germline.
Comment: This variant was observed in the ICSL laboratory as part of a predisposition screen in an ostensibly healthy population. It had not been previously curated by ICSL or reported in the Human Gene Mutation Database (HGMD: prior to June 1st, 2018), and was therefore a candidate for classification through an automated scoring system. Utilizing variant allele frequency, disease prevalence and penetrance estimates, and inheritance mode, an automated score was calculated to assess if this variant is too frequent to cause the disease. Based on the score and internal cut-off values, a variant classified as benign is not then subjected to further curation. The score for this variant resulted in a classification of benign for this disease.

GeneDx
Classification: Benign. Last evaluated: 2015-03-03. Review status: criteria provided, single submitter. Criteria: GeneDx Variant Classification Process June 2021. Collection method: clinical testing. Allele origin: germline. Affected: yes.

Breakthrough Genomics
Classification: Benign. Review status: criteria provided, single submitter. Criteria: ACMG Guidelines, 2015. Collection method: not provided. Allele origin: germline. Inheritance: Autosomal recessive inheritance. Affected: yes.

Genomic Research Center, Shahid Beheshti University of Medical Sciences
No classification provided. Condition: Leukocyte adhesion deficiency type 1. Review status: no classification provided. Collection method: not provided. Allele origin: inherited. Study: Mutation spectra of the ITGB2 gene in Iranian families with leukocyte adhesion deficiency type 1. Not counted in ClinVar's aggregate classification.
ClinVar note: Converted during submission from untested to not provided.